The following is an entry in ClinVar:

ClinVar aggregate classification (germline): Conflicting classifications of pathogenicity. Review status: criteria provided, conflicting classifications (1 of 4 stars). 3 submissions from 3 submitters: Likely pathogenic (1); Uncertain significance (1). 1 of the submissions does not count toward it. Last evaluated 2025-10-10.

Conditions:
Autosomal recessive nonsyndromic hearing loss 4 (DFNB4). Also called: Enlarged vestibular aqueduct, digenic; Nonsyndromic enlarged vestibular aqueduct (NSEVA); Deafness, autosomal recessive 4, with enlarged vestibular aqueduct; Deafness, autosomal recessive 4; FOXI1-Related Pendred Syndrome; KCNJ10-Related Pendred Syndrome. Identifiers: Orphanet 90636, MedGen C3538946, MONDO:0010933, OMIM 600791.
Pendred syndrome (PDS). Also called: Pendred's syndrome; Pendred Syndrome (PDS); DEAFNESS WITH GOITER; GOITER-DEAFNESS SYNDROME; HYPOTHYROIDISM, CONGENITAL, DUE TO DYSHORMONOGENESIS, 2B; THYROID DYSHORMONOGENESIS 2B. Identifiers: Orphanet 705, MedGen C0271829, MONDO:0010134, OMIM 274600.

Allele frequency attached by ClinVar (database versions not stated): gnomAD 0.00001 and 0.00002; TOPMed 0.00001.
gnomAD v4.1: 8 of 1,612,974 alleles (0.0005%); highest among the groups gnomAD compares: South Asian, 0.0011%; no homozygotes.

Submissions (3):

Myriad Genetics, Inc.
Classification: Uncertain significance for Pendred syndrome. Last evaluated: 2025-10-10. Review status: criteria provided, single submitter. Criteria: Myriad Autosomal Dominant, Autosomal Recessive and X-Linked Classification Criteria (2023). Collection method: clinical testing. Allele origin: unknown.
Comment: NM_000441.1(SLC26A4):c.2320-2A>G is a variant in a canonical splice site classified as a variant of uncertain significance in the context of Pendred syndrome. c.2320-2A>G has been observed in a case with relevant disease (PMID: 26485571). Relevant functional assessments of this variant are not available in the literature. c.2320-2A>G has not been observed in referenced population frequency databases. In summary, there is insufficient evidence to classify NM_000441.1(SLC26A4):c.2320-2A>G as pathogenic or benign. Please note: this variant was assessed in the context of healthy population screening.

Baylor Genetics
Classification: Likely pathogenic for Autosomal recessive nonsyndromic hearing loss 4. Last evaluated: 2024-03-25. Review status: criteria provided, single submitter. Criteria: ACMG Guidelines, 2015. Collection method: clinical testing. Allele origin: unknown.

Counsyl
Classification: Uncertain significance for Pendred syndrome. Last evaluated: 2017-08-22. Review status: no assertion criteria provided. Collection method: clinical testing. Allele origin: unknown. Not counted in ClinVar's aggregate classification.

Literature cited by the submitters: PubMed 26485571 (cited by Myriad Genetics, Inc. and Counsyl).

NM_000441.2(SLC26A4):c.2320-2A>G

Gene: SLC26A4 (solute carrier family 26 member 4; plus strand). Cytogenetic location: 7q22.3.
Variant type: single nucleotide variant.
Coding change: c.2320-2A>G on transcript NM_000441.2 (MANE Select); the canonical splice acceptor site of the intron before coding-DNA position 2320, A replaced by G.
Molecular consequence: splice acceptor variant.
Genome position (GRCh38, 1-based): chr7:107,715,421, A>G. VCF-style: chr7-107715421-A-G. GRCh37 (hg19) VCF-style: chr7-107355866-A-G.
Identifiers: ClinVar variation 553509 (VCV000553509.5), dbSNP rs1275029034, ClinGen allele CA368847264.